The following is an entry in ClinVar:

NM_022552.5(DNMT3A):c.2712G>A (p.Pro904=)

Gene: DNMT3A (DNA methyltransferase 3 alpha; minus strand). Cytogenetic location: 2p23.3.
Variant type: single nucleotide variant.
Coding change: c.2712G>A on transcript NM_022552.5 (MANE Select); coding-DNA position 2712, G replaced by A.
Protein change: p.Pro904=; no amino-acid change (proline 904 retained).
Molecular consequence: synonymous variant. On other transcripts: non-coding transcript variant (1).
Genome position (GRCh38, 1-based): chr2:25,234,306, C>T on the plus strand (G>A on the coding strand, the complement: DNMT3A is on the minus strand). VCF-style: chr2-25234306-C-T. GRCh37 (hg19) VCF-style: chr2-25457175-C-T.
Other names: c.2256G>A, p.Pro752= (NM_001320893.1); c.2043G>A, p.Pro681= (NM_001375819.1); c.2145G>A, p.Pro715= (NM_153759.3); c.2712G>A, p.Pro904= (NM_175629.2); c.2712G>A (NM_022552.3).
Identifiers: ClinVar variation 751391 (VCV000751391.17), dbSNP rs538669211, ClinGen allele CA1555463.

ClinVar aggregate classification (germline): Likely benign. Review status: criteria provided, multiple submitters, no conflicts (2 of 4 stars). 4 submissions from 4 submitters: Likely benign (3). 1 of the submissions does not count toward it. Last evaluated 2025-12-27.

Conditions:
DNMT3A-related disorder. Also called: DNMT3A-related condition; DNMT3A-related disorders.
Inborn genetic diseases. Identifiers: MedGen C0950123, MeSH D030342.
Tatton-Brown-Rahman overgrowth syndrome. Also called: Tatton-Brown-Rahman syndrome; Tall stature-intellectual disability-facial dysmorphism syndrome. Identifiers: Orphanet 404443, MedGen C4014545, MONDO:0014382, OMIM 615879.

Allele frequency attached by ClinVar (database versions not stated): ExAC 0.00001; gnomAD exomes 0.00002 and 0.00003; TOPMed 0.00002; gnomAD 0.00004 and 0.00005; 1000 Genomes Project 30x 0.00016; 1000 Genomes Project 0.00020.
gnomAD v4.1: 33 of 1,613,942 alleles (0.002%); highest among the groups gnomAD compares: Admixed American, 0.03%; no homozygotes.

Submissions (4):

Labcorp Genetics (formerly Invitae), Labcorp
Classification: Likely benign for Tatton-Brown-Rahman overgrowth syndrome. Last evaluated: 2025-12-27. Review status: criteria provided, single submitter. Criteria: Invitae Variant Classification Sherloc (09022015). Collection method: clinical testing. Allele origin: germline.

Ambry Genetics
Classification: Likely benign for Inborn genetic diseases. Last evaluated: 2024-10-15. Review status: criteria provided, single submitter. Criteria: Ambry Variant Classification Scheme 2023. Collection method: clinical testing. Allele origin: germline.

GeneDx
Classification: Likely benign. Last evaluated: 2020-12-01. Review status: criteria provided, single submitter. Criteria: GeneDx Variant Classification Process June 2021. Collection method: clinical testing. Allele origin: germline. Affected: yes.

PreventionGenetics, part of Exact Sciences
Classification: Likely benign for DNMT3A-related condition. Last evaluated: 2023-01-30. Review status: no assertion criteria provided. Collection method: clinical testing. Allele origin: germline. Not counted in ClinVar's aggregate classification.
Comment: This variant is classified as likely benign based on ACMG/AMP sequence variant interpretation guidelines (Richards et al. 2015 PMID: 25741868, with internal and published modifications).